The following is an entry in ClinVar:

ClinVar aggregate classification (germline): Benign (1 of 4 stars; one submission).

Allele frequency attached by ClinVar (database versions not stated): gnomAD exomes 0.00207; gnomAD 0.01917 and 0.02063; 1000 Genomes Project 0.02157; TOPMed 0.02255; 1000 Genomes Project 30x 0.02264.
gnomAD v4.1: 5,194 of 1,206,014 alleles (0.43%); highest among the groups gnomAD compares: African/African-American, 6.5%; 167 homozygotes.

Submission:

GeneDx
Classification: Benign. Last evaluated: 2018-06-14. Review status: criteria provided, single submitter. Criteria: GeneDx Variant Classification (06012015). Collection method: clinical testing. Allele origin: germline. Affected: yes.
Comment: This variant is considered likely benign or benign based on one or more of the following criteria: it is a conservative change, it occurs at a poorly conserved position in the protein, it is predicted to be benign by multiple in silico algorithms, and/or has population frequency not consistent with disease.

NM_017617.5(NOTCH1):c.5935-148G>A

Gene: NOTCH1 (notch receptor 1; minus strand). Cytogenetic location: 9q34.3.
Variant type: single nucleotide variant.
Coding change: c.5935-148G>A on transcript NM_017617.5 (MANE Select); 148 bases into the intron before coding-DNA position 5935, G replaced by A.
Molecular consequence: intron variant.
Genome position (GRCh38, 1-based): chr9:136,499,407, C>T on the plus strand (G>A on the coding strand, the complement: NOTCH1 is on the minus strand). VCF-style: chr9-136499407-C-T. GRCh37 (hg19) VCF-style: chr9-139393859-C-T.
Identifiers: ClinVar variation 679103 (VCV000679103.1), dbSNP rs11574910, ClinGen allele CA13078553.
Genomic context (GRCh38, chr9:136,499,407, plus strand): 5'-CACTGTCTTCCGGACACAGACGAGACCCTCCTGAGATCGGCACGGCCGGGCAAGACGAAA[C>T]GCCATGGGGCTGCCCCTGAGGAGGGGCCCGGATGGGGGCAGGGGCTGTGCTGCCCACAGA-3'